The following is an entry in ClinVar:

ClinVar aggregate classification (germline): Uncertain significance. Review status: criteria provided, multiple submitters, no conflicts (2 of 4 stars). 2 submissions from 2 submitters: Uncertain significance (2). Last evaluated 2025-11-05.

Conditions:
Cardiovascular phenotype. Identifiers: MedGen CN230736.
Arrhythmogenic right ventricular dysplasia 9 (ARVD9). Also called: Arrhythmogenic Right Ventricular Dysplasia/Cardiomyopathy 9; ARRHYTHMOGENIC RIGHT VENTRICULAR DYSPLASIA, FAMILIAL, 9. Identifiers: MedGen C1836906, MONDO:0012180, OMIM 609040.

Submissions (2):

Labcorp Genetics (formerly Invitae), Labcorp
Classification: Uncertain significance for Arrhythmogenic right ventricular dysplasia 9. Last evaluated: 2025-11-05. Review status: criteria provided, single submitter. Criteria: Invitae Variant Classification Sherloc (09022015). Collection method: clinical testing. Allele origin: germline.
Comment: This sequence change replaces leucine, which is neutral and non-polar, with proline, which is neutral and non-polar, at codon 77 of the PKP2 protein (p.Leu77Pro). This variant is not present in population databases (gnomAD no frequency). This variant has not been reported in the literature in individuals affected with PKP2-related conditions. ClinVar contains an entry for this variant (Variation ID: 1026512). An algorithm developed to predict the effect of missense changes on protein structure and function (PolyPhen-2) suggests that this variant is likely to be disruptive. In summary, the available evidence is currently insufficient to determine the role of this variant in disease. Therefore, it has been classified as a Variant of Uncertain Significance.

Ambry Genetics
Classification: Uncertain significance for Cardiovascular phenotype. Last evaluated: 2023-04-08. Review status: criteria provided, single submitter. Criteria: Ambry Variant Classification Scheme 2023. Collection method: clinical testing. Allele origin: germline.
Comment: The p.L77P variant (also known as c.230T>C), located in coding exon 2 of the PKP2 gene, results from a T to C substitution at nucleotide position 230. The leucine at codon 77 is replaced by proline, an amino acid with similar properties. This amino acid position is conserved. In addition, this alteration is predicted to be deleterious by in silico analysis. Since supporting evidence is limited at this time, the clinical significance of this alteration remains unclear.

NM_001005242.3(PKP2):c.230T>C (p.Leu77Pro)

Gene: PKP2 (plakophilin 2; minus strand). Cytogenetic location: 12p11.21.
Variant type: single nucleotide variant.
Coding change: c.230T>C on transcript NM_001005242.3 (MANE Select); coding-DNA position 230, T replaced by C.
Protein change: p.Leu77Pro; replaces leucine 77 with proline.
Molecular consequence: missense variant.
Genome position (GRCh38, 1-based): chr12:32,879,026, A>G on the plus strand (T>C on the coding strand, the complement: PKP2 is on the minus strand). VCF-style: chr12-32879026-A-G. GRCh37 (hg19) VCF-style: chr12-33031960-A-G.
Other names: c.230T>C (NM_004572.3); c.230T>C, p.Leu77Pro (NM_004572.4); short protein forms L77P.
Identifiers: ClinVar variation 1026512 (VCV001026512.10), dbSNP rs754446972, ClinGen allele CA384366679.